The following is an entry in ClinVar:

ClinVar aggregate classification (germline): Uncertain significance (1 of 4 stars; one submission).

Conditions:
Werner syndrome (WRN). Identifiers: Orphanet 902, MedGen C0043119, MONDO:0010196, OMIM 277700.

Submission:

Labcorp Genetics (formerly Invitae), Labcorp
Classification: Uncertain significance for Werner syndrome. Last evaluated: 2021-11-05. Review status: criteria provided, single submitter. Criteria: Invitae Variant Classification Sherloc (09022015). Collection method: clinical testing. Allele origin: germline.
Comment: In summary, the available evidence is currently insufficient to determine the role of this variant in disease. Therefore, it has been classified as a Variant of Uncertain Significance. This sequence change replaces leucine, which is neutral and non-polar, with valine, which is neutral and non-polar, at codon 1308 of the WRN protein (p.Leu1308Val). This variant is not present in population databases (gnomAD no frequency). This variant has not been reported in the literature in individuals affected with WRN-related conditions. Algorithms developed to predict the effect of missense changes on protein structure and function are either unavailable or do not agree on the potential impact of this missense change (SIFT: "Not Available"; PolyPhen-2: "Probably Damaging"; Align-GVGD: "Not Available").

NM_000553.6(WRN):c.3922C>G (p.Leu1308Val)

Gene: WRN (WRN RecQ like helicase; plus strand). Cytogenetic location: 8p12.
Variant type: single nucleotide variant.
Coding change: c.3922C>G on transcript NM_000553.6 (MANE Select); coding-DNA position 3922, C replaced by G.
Protein change: p.Leu1308Val; replaces leucine 1308 with valine.
Molecular consequence: missense variant.
Genome position (GRCh38, 1-based): chr8:31,157,470, C>G. VCF-style: chr8-31157470-C-G. GRCh37 (hg19) VCF-style: chr8-31014986-C-G.
Other names: short protein forms L1308V.
Identifiers: ClinVar variation 1403051 (VCV001403051.6), dbSNP rs2130481130, ClinGen allele CA370929487.